The following is an entry in ClinVar:

ClinVar aggregate classification (germline): Benign/Likely benign. Review status: criteria provided, multiple submitters, no conflicts (2 of 4 stars). 5 submissions from 5 submitters: Benign (2); Likely benign (3). Last evaluated 2026-05-01.

Allele frequency attached by ClinVar (database versions not stated): 1000 Genomes Project 30x 0.00125; 1000 Genomes Project 0.00140; TOPMed 0.00443; ESP Exome Variant Server 0.00477; gnomAD 0.00497 and 0.00525; gnomAD exomes 0.00553; ExAC 0.00619.

Submissions (5):

CeGaT Center for Human Genetics Tuebingen
Classification: Likely benign. Last evaluated: 2026-05-01. Review status: criteria provided, single submitter. Criteria: CeGaT Center For Human Genetics Tuebingen Variant Classification Criteria Version 2. Collection method: clinical testing. Allele origin: germline. Affected: yes. Observed: 7 variant alleles.
Comment: CCDC28B: BS2

Labcorp Genetics (formerly Invitae), Labcorp
Classification: Benign. Last evaluated: 2018-10-22. Review status: criteria provided, single submitter. Criteria: Invitae Variant Classification Sherloc (09022015). Collection method: clinical testing. Allele origin: germline.

Eurofins Ntd Llc (ga)
Classification: Benign. Last evaluated: 2015-07-14. Review status: criteria provided, single submitter. Criteria: EGL Classification Definitions 2015. Collection method: clinical testing. Allele origin: germline. Observed: 1 variant allele, 1 heterozygote.

GeneDx
Classification: Likely benign. Last evaluated: 2015-03-03. Review status: criteria provided, single submitter. Criteria: GeneDx Variant Classification Process June 2021. Collection method: clinical testing. Allele origin: germline. Affected: yes.

Breakthrough Genomics
Classification: Likely benign. Review status: criteria provided, single submitter. Criteria: ACMG Guidelines, 2015. Collection method: not provided. Allele origin: germline. Inheritance: Autosomal recessive inheritance. Affected: yes.

NM_024296.5(CCDC28B):c.463G>A (p.Gly155Arg)

Gene: CCDC28B (coiled-coil domain containing 28B; plus strand). Cytogenetic location: 1p35.2.
Variant type: single nucleotide variant.
Coding change: c.463G>A on transcript NM_024296.5 (MANE Select); coding-DNA position 463, G replaced by A.
Protein change: p.Gly155Arg; replaces glycine 155 with arginine.
Molecular consequence: missense variant.
Genome position (GRCh38, 1-based): chr1:32,204,317, G>A. VCF-style: chr1-32204317-G-A. GRCh37 (hg19) VCF-style: chr1-32669918-G-A.
Other names: c.463G>A (NM_024296.3); c.463G>A, p.Gly155Arg (NM_001301011.2); short protein forms G155R.
Identifiers: ClinVar variation 281760 (VCV000281760.34), dbSNP rs140234450, ClinGen allele CA739245.